The following is an entry in ClinVar:

ClinVar aggregate classification (germline): Likely benign (1 of 4 stars; one submission).

Submission:

GeneDx
Classification: Likely benign. Last evaluated: 2017-04-28. Review status: criteria provided, single submitter. Criteria: GeneDx Variant Classification (06012015). Collection method: clinical testing. Allele origin: germline. Affected: yes.
Comment: This variant is considered likely benign or benign based on one or more of the following criteria: it is a conservative change, it occurs at a poorly conserved position in the protein, it is predicted to be benign by multiple in silico algorithms, and/or has population frequency not consistent with disease.

NM_000179.3(MSH6):c.420G>A (p.Arg140=)

Gene: MSH6 (mutS homolog 6; plus strand). Cytogenetic location: 2p16.3.
Variant type: single nucleotide variant.
Coding change: c.420G>A on transcript NM_000179.3 (MANE Select); coding-DNA position 420, G replaced by A.
Protein change: p.Arg140=; no amino-acid change (arginine 140 retained).
Molecular consequence: synonymous variant. On other transcripts: 5 prime UTR variant (2), intron variant (1).
Genome position (GRCh38, 1-based): chr2:47,791,086, G>A. VCF-style: chr2-47791086-G-A. GRCh37 (hg19) VCF-style: chr2-48018225-G-A.
Other names: c.-317G>A (NM_001281493.2); c.-483G>A (NM_001281494.2); c.238-7525G>A (NM_001281492.2).
Identifiers: ClinVar variation 506532 (VCV000506532.1), dbSNP rs1553410345, ClinGen allele CA425989473.